The following is an entry in ClinVar:

NM_001170629.2(CHD8):c.5338T>C (p.Cys1780Arg)

Gene: CHD8 (chromodomain helicase DNA binding protein 8; minus strand). Cytogenetic location: 14q11.2.
Variant type: single nucleotide variant.
Coding change: c.5338T>C on transcript NM_001170629.2 (MANE Select); coding-DNA position 5338, T replaced by C.
Protein change: p.Cys1780Arg; replaces cysteine 1780 with arginine.
Molecular consequence: missense variant.
Genome position (GRCh38, 1-based): chr14:21,394,964, A>G on the plus strand (T>C on the coding strand, the complement: CHD8 is on the minus strand). VCF-style: chr14-21394964-A-G. GRCh37 (hg19) VCF-style: chr14-21863123-A-G.
Other names: c.4501T>C, p.Cys1501Arg (NM_020920.4); short protein forms C1501R, C1780R.
Identifiers: ClinVar variation 2124196 (VCV002124196.4), dbSNP rs1887713409, ClinGen allele CA388883988.

ClinVar aggregate classification (germline): Uncertain significance (1 of 4 stars; one submission).

Allele frequency attached by ClinVar (database versions not stated): TOPMed below 0.00001.

Submission:

Labcorp Genetics (formerly Invitae), Labcorp
Classification: Uncertain significance. Last evaluated: 2023-10-17. Review status: criteria provided, single submitter. Criteria: Invitae Variant Classification Sherloc (09022015). Collection method: clinical testing. Allele origin: germline.
Comment: This sequence change replaces cysteine, which is neutral and slightly polar, with arginine, which is basic and polar, at codon 1780 of the CHD8 protein (p.Cys1780Arg). This variant is not present in population databases (gnomAD no frequency). This variant has not been reported in the literature in individuals affected with CHD8-related conditions. ClinVar contains an entry for this variant (Variation ID: 2124196). Advanced modeling of protein sequence and biophysical properties (such as structural, functional, and spatial information, amino acid conservation, physicochemical variation, residue mobility, and thermodynamic stability) performed at Invitae indicates that this missense variant is not expected to disrupt CHD8 protein function. In summary, the available evidence is currently insufficient to determine the role of this variant in disease. Therefore, it has been classified as a Variant of Uncertain Significance.